The following is an entry in ClinVar:

ClinVar aggregate classification (germline): Conflicting classifications of pathogenicity. Review status: criteria provided, conflicting classifications (1 of 4 stars). 12 submissions from 12 submitters: Uncertain significance (1); Benign (6); Likely benign (2). 3 of the submissions do not count toward it. Last evaluated 2026-02-04.

Conditions:
Atrial fibrillation, familial, 7 (ATFB7). Identifiers: MedGen C2677106, MONDO:0012828, OMIM 612240.
Brugada syndrome 1 (BRGDA1). Also called: RIGHT BUNDLE BRANCH BLOCK, ST SEGMENT ELEVATION, AND SUDDEN DEATH SYNDROME. Identifiers: Orphanet 130, MedGen C4551804, MONDO:0011001, OMIM 601144.

Allele frequency attached by ClinVar (database versions not stated): 1000 Genomes Project 30x 0.00297; 1000 Genomes Project 0.00319; ExAC 0.00540; gnomAD exomes 0.00540 and 0.00916; gnomAD 0.00559 and 0.00612; TOPMed 0.00652; ESP Exome Variant Server 0.00730.

Submissions (12):

Labcorp Genetics (formerly Invitae), Labcorp
Classification: Benign for Atrial fibrillation, familial, 7. Last evaluated: 2026-02-04. Review status: criteria provided, single submitter. Criteria: Invitae Variant Classification Sherloc (09022015). Collection method: clinical testing. Allele origin: germline.

ARUP Laboratories, Molecular Genetics and Genomics, ARUP Laboratories
Classification: Benign for Atrial fibrillation, familial, 7. Last evaluated: 2025-06-02. Review status: criteria provided, single submitter. Criteria: ARUP Molecular Germline Variant Investigation Process 2024. Collection method: clinical testing. Allele origin: germline.

CeGaT Center for Human Genetics Tuebingen
Classification: Benign. Last evaluated: 2025-06-01. Review status: criteria provided, single submitter. Criteria: CeGaT Center For Human Genetics Tuebingen Variant Classification Criteria Version 2. Collection method: clinical testing. Allele origin: germline. Affected: yes. Observed: 2 variant alleles.
Comment: KCNA5: BS1, BS2

Blueprint Genetics
Classification: Likely benign. Last evaluated: 2024-11-27. Review status: criteria provided, single submitter. Criteria: ACMG Guidelines, 2015. Collection method: clinical testing. Allele origin: germline.

Women's Health and Genetics/Laboratory Corporation of America, LabCorp
Classification: Likely benign. Last evaluated: 2023-10-29. Review status: criteria provided, single submitter. Criteria: LabCorp Variant Classification Summary - May 2015. Collection method: clinical testing. Allele origin: germline.

GeneDx
Classification: Benign. Last evaluated: 2019-02-06. Review status: criteria provided, single submitter. Criteria: GeneDx Variant Classification Process June 2021. Collection method: clinical testing. Allele origin: germline. Affected: yes.

Illumina Laboratory Services, Illumina
Classification: Uncertain significance for Atrial fibrillation, familial, 7. Last evaluated: 2017-04-27. Review status: criteria provided, single submitter. Criteria: ICSL Variant Classification Criteria 13 December 2019. Collection method: clinical testing. Allele origin: germline.
Comment: This variant was observed as part of a predisposition screen in an ostensibly healthy population. A literature search was performed for the gene, cDNA change, and amino acid change (where applicable). Publications were found based on this search. However, the evidence from the literature, in combination with allele frequency data from public databases where available, was not sufficient to rule this variant in or out of causing disease. Therefore, this variant is classified as a variant of unknown significance.

Agnes Ginges Centre for Molecular Cardiology, Centenary Institute
Classification: Benign for Brugada syndrome 1. Last evaluated: 2017-03-16. Review status: criteria provided, single submitter. Criteria: Agnes Ginges Centre for Molecular Cardiology criteria (2015). Collection method: research. Allele origin: germline. Inheritance: Autosomal dominant inheritance. Affected: yes.
Comment: The KCNA5 Arg578Lys has been previously identified in 2/95 "white" controls, in this study the variant did not affect potassium channel gating in transfected hamster oocytes, but did cause resistance to Quinidine (Simard C, et al., 2005). This KCNA5 Arg578Lys variant is found in the Exome Aggregation Consortium dataset at an elevated frequency (MAF=0.005), suggesting that it is a common polymorphism (Ng, D et al., 2013). Furthermore, computational tools SIFT, MutationTaster, and PolyPhen-2 predict this variant to be well tolerated. In summary, based on the presence of KCNA5 Arg578Lys in controls, a high population frequency, and in silico tools predicting no deleterious affect on the protein, we classify this variant as "benign".

Biesecker Lab/Clinical Genomics Section, National Institutes of Health
Classification: Benign. Last evaluated: 2013-06-24. Review status: criteria provided, single submitter. Criteria: Ng et al. (Circ Cardiovasc Genet. 2013). Collection method: research. Allele origin: unknown. Observed: 10 variant alleles. Study: ClinSeq.
Comment: The study set was not selected for affection status in relation to any cancer. Pathogenicity categories were based on literature curation. See Pubmed ID:23861362 for details.

Medical sequencing

Clinical Genetics, Academic Medical Center
Classification: Benign. Review status: no assertion criteria provided. Collection method: clinical testing. Allele origin: germline. Affected: yes. Study: VKGL Data-share Consensus. Not counted in ClinVar's aggregate classification.

Joint Genome Diagnostic Labs from Nijmegen and Maastricht, Radboudumc and MUMC+
Classification: Likely benign. Review status: no assertion criteria provided. Collection method: clinical testing. Allele origin: germline. Affected: yes. Study: VKGL Data-share Consensus. Not counted in ClinVar's aggregate classification.

Laboratory of Diagnostic Genome Analysis, Leiden University Medical Center (LUMC)
Classification: Likely benign. Review status: no assertion criteria provided. Collection method: clinical testing. Allele origin: germline. Affected: yes. Study: VKGL Data-share Consensus. Not counted in ClinVar's aggregate classification.

Literature cited by the submitters: PubMed 15735608 (cited by Illumina Laboratory Services, Illumina and Agnes Ginges Centre for Molecular Cardiology, Centenary Institute); PubMed 16411137 (cited by Illumina Laboratory Services, Illumina); PubMed 23264583 (cited by Illumina Laboratory Services, Illumina); PubMed 24068186 (cited by Illumina Laboratory Services, Illumina and Agnes Ginges Centre for Molecular Cardiology, Centenary Institute); PubMed 21306642 (cited by Illumina Laboratory Services, Illumina); PubMed 23861362 (cited by Agnes Ginges Centre for Molecular Cardiology, Centenary Institute).

NM_002234.4(KCNA5):c.1733G>A (p.Arg578Lys)

Gene: KCNA5 (potassium voltage-gated channel subfamily A member 5; plus strand). Cytogenetic location: 12p13.32.
Variant type: single nucleotide variant.
Coding change: c.1733G>A on transcript NM_002234.4 (MANE Select); coding-DNA position 1733, G replaced by A.
Protein change: p.Arg578Lys; replaces arginine 578 with lysine.
Molecular consequence: missense variant.
Genome position (GRCh38, 1-based): chr12:5,045,880, G>A. VCF-style: chr12-5045880-G-A. GRCh37 (hg19) VCF-style: chr12-5155046-G-A.
Other names: short protein forms R578K.
Identifiers: ClinVar variation 191573 (VCV000191573.58), dbSNP rs12720445, ClinGen allele CA199951.
Genomic context (GRCh38, chr12:5,045,880, plus strand): 5'-GGAGCAGGGGATCCTTCTGCAAGGCTGGGGGGACCCTGGAGAATGCAGACAGTGCCCGAA[G>A]GGGCAGCTGCCCCCTAGAGAAGTGTAACGTCAAGGCCAAGAGCAACGTGGACTTGCGGAG-3'
Protein context (NP_002225.2, residues 568-588): GTLENADSAR[Arg578Lys]GSCPLEKCNV